The following is an entry in ClinVar:

ClinVar aggregate classification (germline): Pathogenic (1 of 4 stars; one submission).

Conditions:
Baller-Gerold syndrome (BGS). Also called: CRANIOSYNOSTOSIS WITH RADIAL DEFECTS. Identifiers: Orphanet 1225, MedGen C0265308, MONDO:0009039, OMIM 218600.

gnomAD v4.1: 4 of 1,612,288 alleles (0.00025%); highest among the groups gnomAD compares: Non-Finnish European, 0.00034%; no homozygotes.

Submission:

Labcorp Genetics (formerly Invitae), Labcorp
Classification: Pathogenic for Baller-Gerold syndrome. Last evaluated: 2023-10-04. Review status: criteria provided, single submitter. Criteria: Invitae Variant Classification Sherloc (09022015). Collection method: clinical testing. Allele origin: germline.
Comment: This sequence change creates a premature translational stop signal (p.Trp934*) in the RECQL4 gene. It is expected to result in an absent or disrupted protein product. Loss-of-function variants in RECQL4 are known to be pathogenic (PMID: 12734318, 12952869). This variant is not present in population databases (gnomAD no frequency). This premature translational stop signal has been observed in individual(s) with Rothmund-Thompson syndrome (PMID: 24635570). ClinVar contains an entry for this variant (Variation ID: 933643). For these reasons, this variant has been classified as Pathogenic.

Literature cited by the submitters: PubMed 12734318; PubMed 12952869; PubMed 24635570.

NM_004260.4(RECQL4):c.2802G>A (p.Trp934Ter)

Gene: RECQL4 (RecQ like helicase 4; minus strand). Cytogenetic location: 8q24.3.
Variant type: single nucleotide variant.
Coding change: c.2802G>A on transcript NM_004260.4 (MANE Select); coding-DNA position 2802, G replaced by A.
Protein change: p.Trp934Ter; replaces tryptophan 934 with a stop codon.
Molecular consequence: nonsense.
Genome position (GRCh38, 1-based): chr8:144,512,725, C>T on the plus strand (G>A on the coding strand, the complement: RECQL4 is on the minus strand). VCF-style: chr8-144512725-C-T. GRCh37 (hg19) VCF-style: chr8-145738108-C-T.
Other names: short protein forms W934*.
Identifiers: ClinVar variation 933643 (VCV000933643.6), dbSNP rs1827483654, ClinGen allele CA372674364.